The following is an entry in ClinVar:

ClinVar aggregate classification (germline): Uncertain significance (1 of 4 stars; one submission).

Conditions:
Hereditary cancer-predisposing syndrome. Also called: Neoplastic Syndromes, Hereditary; Hereditary Cancer Syndrome; Tumor predisposition; Hereditary neoplastic syndrome. Identifiers: Orphanet 140162, MedGen C0027672, MeSH D009386, MONDO:0015356.

Submission:

Ambry Genetics
Classification: Uncertain significance for Hereditary cancer-predisposing syndrome. Last evaluated: 2024-12-16. Review status: criteria provided, single submitter. Criteria: Ambry Variant Classification Scheme 2023. Collection method: clinical testing. Allele origin: germline.
Comment: The p.V568L variant (also known as c.1702G>T), located in coding exon 9 of the SMARCA4 gene, results from a G to T substitution at nucleotide position 1702. The valine at codon 568 is replaced by leucine, an amino acid with highly similar properties. This amino acid position is conserved. In addition, the in silico prediction for this alteration is inconclusive. Based on the available evidence, the clinical significance of this variant remains unclear.

NM_003072.5(SMARCA4):c.1702G>T (p.Val568Leu)

Gene: SMARCA4 (SWI/SNF related BAF chromatin remodeling complex subunit ATPase 4; plus strand). Cytogenetic location: 19p13.2.
Variant type: single nucleotide variant.
Coding change: c.1702G>T on transcript NM_003072.5 (MANE Select); coding-DNA position 1702, G replaced by T.
Protein change: p.Val568Leu; replaces valine 568 with leucine.
Molecular consequence: missense variant. On other transcripts: non-coding transcript variant (1).
Genome position (GRCh38, 1-based): chr19:10,996,321, G>T. VCF-style: chr19-10996321-G-T. GRCh37 (hg19) VCF-style: chr19-11106997-G-T.
Other names: c.1702G>T, p.Val568Leu (NM_001128844.3, NM_001128845.2, NM_001128846.2 and 6 more transcripts); short protein forms V568L.
Identifiers: ClinVar variation 3798881 (VCV003798881.1).